The following is an entry in ClinVar:

ClinVar aggregate classification (germline): Uncertain significance (1 of 4 stars; one submission).

Conditions:
Developmental and epileptic encephalopathy, 37 (DEE37). Also called: Epileptic encephalopathy, early infantile, 37. Identifiers: MedGen C4310770, MONDO:0014859, OMIM 616981.

Allele frequency attached by ClinVar (database versions not stated): gnomAD 0.00002.

Submission:

Labcorp Genetics (formerly Invitae), Labcorp
Classification: Uncertain significance for Developmental and epileptic encephalopathy, 37. Last evaluated: 2022-09-07. Review status: criteria provided, single submitter. Criteria: Invitae Variant Classification Sherloc (09022015). Collection method: clinical testing. Allele origin: germline.
Comment: This sequence change replaces proline, which is neutral and non-polar, with glutamine, which is neutral and polar, at codon 60 of the FRRS1L protein (p.Pro60Gln). In summary, the available evidence is currently insufficient to determine the role of this variant in disease. Therefore, it has been classified as a Variant of Uncertain Significance. Algorithms developed to predict the effect of missense changes on protein structure and function are either unavailable or do not agree on the potential impact of this missense change (SIFT: "Tolerated"; PolyPhen-2: "Possibly Damaging"; Align-GVGD: "Class C0"). ClinVar contains an entry for this variant (Variation ID: 1381655). This variant has not been reported in the literature in individuals affected with FRRS1L-related conditions. The frequency data for this variant in the population databases is considered unreliable, as metrics indicate poor data quality at this position in the gnomAD database.

NM_014334.4(FRRS1L):c.26C>A (p.Pro9Gln)

Gene: FRRS1L (ferric chelate reductase 1 like; minus strand). Cytogenetic location: 9q31.3.
Variant type: single nucleotide variant.
Coding change: c.26C>A on transcript NM_014334.4 (MANE Select); coding-DNA position 26, C replaced by A.
Protein change: p.Pro9Gln; replaces proline 9 with glutamine.
Molecular consequence: missense variant.
Genome position (GRCh38, 1-based): chr9:109,167,113, G>T on the plus strand (C>A on the coding strand, the complement: FRRS1L is on the minus strand). VCF-style: chr9-109167113-G-T. GRCh37 (hg19) VCF-style: chr9-111929393-G-T.
Other names: short protein forms P9Q.
Identifiers: ClinVar variation 1381655 (VCV001381655.6), dbSNP rs1342340129, ClinGen allele CA374430648.